The following is an entry in ClinVar:

NM_001083116.3(PRF1):c.625C>T (p.Gln209Ter)

Gene: PRF1 (perforin 1; minus strand). Cytogenetic location: 10q22.1.
Variant type: single nucleotide variant.
Coding change: c.625C>T on transcript NM_001083116.3 (MANE Select); coding-DNA position 625, C replaced by T.
Protein change: p.Gln209Ter; replaces glutamine 209 with a stop codon.
Molecular consequence: nonsense.
Genome position (GRCh38, 1-based): chr10:70,599,096, G>A on the plus strand (C>T on the coding strand, the complement: PRF1 is on the minus strand). VCF-style: chr10-70599096-G-A. GRCh37 (hg19) VCF-style: chr10-72358852-G-A.
Other names: c.625C>T, p.Gln209Ter (NM_005041.6); short protein forms Q209*.
Identifiers: ClinVar variation 2814838 (VCV002814838.3), dbSNP rs2493484953, ClinGen allele CA376959010.
Genomic context (GRCh38, chr10:70,599,096, plus strand): 5'-GCTCCACAGCCCGGATGAAGTGGGTGCCGTAGTTGGAGATAAGCCTGAGGTAGGCGGGCT[G>A]GGTGGAGGCGTTGAAGTGGTGGGGCAGGTCCCCGAGGGCCCTCTTGAAGTCAGGGTGCAG-3'

ClinVar aggregate classification (germline): Pathogenic (1 of 4 stars; one submission).

Conditions:
Familial hemophagocytic lymphohistiocytosis 2 (FHL2). Also called: PRF1-Related Familial Hemophagocytic Lymphohistiocytosis (PRF1-fHLH). Identifiers: Orphanet 540, MedGen C1863727, MONDO:0011337, OMIM 603553.

Submission:

Labcorp Genetics (formerly Invitae), Labcorp
Classification: Pathogenic for Familial hemophagocytic lymphohistiocytosis 2. Last evaluated: 2022-11-17. Review status: criteria provided, single submitter. Criteria: Invitae Variant Classification Sherloc (09022015). Collection method: clinical testing. Allele origin: germline.
Comment: This sequence change creates a premature translational stop signal (p.Gln209*) in the PRF1 gene. While this is not anticipated to result in nonsense mediated decay, it is expected to disrupt the last 347 amino acid(s) of the PRF1 protein. This variant is not present in population databases (gnomAD no frequency). This variant has not been reported in the literature in individuals affected with PRF1-related conditions. This variant disrupts a region of the PRF1 protein in which other variant(s) (p.Thr450Met) have been determined to be pathogenic (PMID: 15632205, 15728124, 17266056, 18074390, 19487666). This suggests that this is a clinically significant region of the protein, and that variants that disrupt it are likely to be disease-causing. For these reasons, this variant has been classified as Pathogenic.

Literature cited by the submitters: PubMed 15632205; PubMed 15728124; PubMed 17266056; PubMed 18074390; PubMed 19487666.